The following is an entry in ClinVar:

NM_014339.7(IL17RA):c.1067G>A (p.Ser356Asn)

Genes: IL17RA (interleukin 17 receptor A; plus strand), LOC126863094 (MED14-independent group 3 enhancer GRCh37_chr22:17587847-17589046; plus strand). Cytogenetic location: 22q11.1.
Variant type: single nucleotide variant.
Coding change: c.1067G>A on transcript NM_014339.7 (MANE Select); coding-DNA position 1067, G replaced by A.
Protein change: p.Ser356Asn; replaces serine 356 with asparagine.
Molecular consequence: missense variant.
Genome position (GRCh38, 1-based): chr22:17,107,748, G>A. VCF-style: chr22-17107748-G-A. GRCh37 (hg19) VCF-style: chr22-17588638-G-A.
Other names: c.965G>A, p.Ser322Asn (NM_001289905.2); short protein forms S356N, S322N.
Identifiers: ClinVar variation 1347711 (VCV001347711.8), dbSNP rs777845932, ClinGen allele CA10086653.

ClinVar aggregate classification (germline): Uncertain significance (1 of 4 stars; one submission).

Conditions:
Immunodeficiency 51 (IMD51). Also called: CANDIDIASIS, FAMILIAL, 5. Identifiers: Orphanet 1334, MedGen C4310803, MONDO:0013500, OMIM 613953.

Allele frequency attached by ClinVar (database versions not stated): gnomAD exomes below 0.00001; ExAC 0.00001; gnomAD 0.00001; TOPMed 0.00001.
gnomAD v4.1: 3 of 1,613,786 alleles (0.00019%); highest among the groups gnomAD compares: Non-Finnish European, 0.00025%; no homozygotes.

Submission:

Labcorp Genetics (formerly Invitae), Labcorp
Classification: Uncertain significance for Immunodeficiency 51. Last evaluated: 2022-07-15. Review status: criteria provided, single submitter. Criteria: Invitae Variant Classification Sherloc (09022015). Collection method: clinical testing. Allele origin: germline.
Comment: In summary, the available evidence is currently insufficient to determine the role of this variant in disease. Therefore, it has been classified as a Variant of Uncertain Significance. Algorithms developed to predict the effect of missense changes on protein structure and function (SIFT, PolyPhen-2, Align-GVGD) all suggest that this variant is likely to be tolerated. ClinVar contains an entry for this variant (Variation ID: 1347711). This variant has not been reported in the literature in individuals affected with IL17RA-related conditions. This variant is present in population databases (rs777845932, gnomAD 0.0009%). This sequence change replaces serine, which is neutral and polar, with asparagine, which is neutral and polar, at codon 356 of the IL17RA protein (p.Ser356Asn).